The following is an entry in ClinVar:

ClinVar aggregate classification (germline): Likely benign (1 of 4 stars; one submission).

gnomAD v4.1: 17 of 1,607,980 alleles (0.0011%); highest among the groups gnomAD compares: Admixed American, 0.01%; no homozygotes.

Submission:

CeGaT Center for Human Genetics Tuebingen
Classification: Likely benign. Last evaluated: 2026-06-01. Review status: criteria provided, single submitter. Criteria: CeGaT Center For Human Genetics Tuebingen Variant Classification Criteria Version 2. Collection method: clinical testing. Allele origin: germline. Affected: yes. Observed: 1 variant allele.
Comment: TRIM71: BP4, BP7

NM_001039111.3(TRIM71):c.717G>A (p.Glu239=)

Gene: TRIM71 (tripartite motif containing 71; plus strand). Cytogenetic location: 3p22.3.
Variant type: single nucleotide variant.
Coding change: c.717G>A on transcript NM_001039111.3 (MANE Select); coding-DNA position 717, G replaced by A.
Protein change: p.Glu239=; no amino-acid change (glutamic acid 239 retained).
Molecular consequence: synonymous variant.
Genome position (GRCh38, 1-based): chr3:32,818,797, G>A. VCF-style: chr3-32818797-G-A. GRCh37 (hg19) VCF-style: chr3-32860289-G-A.
Identifiers: ClinVar variation 4872008 (VCV004872008.2).